The following is an entry in ClinVar:

ClinVar aggregate classification (germline): Pathogenic (1 of 4 stars; one submission).

Conditions:
Hypertrophic cardiomyopathy 26. Also called: Cardiomyopathy, familial hypertrophic, 26. Identifiers: Orphanet 75249, MedGen C4310749, MONDO:0014883, OMIM 617047.
Myofibrillar myopathy 5. Also called: Filaminopathy (type); FILAMINOPATHY, AUTOSOMAL DOMINANT. Identifiers: Orphanet 171445, MedGen C1836050, MONDO:0012289, OMIM 609524.
Distal myopathy with posterior leg and anterior hand involvement. Also called: WILLIAMS DISTAL MYOPATHY. Identifiers: Orphanet 63273, MedGen C3279722, MONDO:0013550, OMIM 614065.

Submission:

Labcorp Genetics (formerly Invitae), Labcorp
Classification: Pathogenic for Distal myopathy with posterior leg and anterior hand involvement; Myofibrillar myopathy 5; Hypertrophic cardiomyopathy 26. Last evaluated: 2023-10-10. Review status: criteria provided, single submitter. Criteria: Invitae Variant Classification Sherloc (09022015). Collection method: clinical testing. Allele origin: germline.
Comment: This sequence change creates a premature translational stop signal (p.Val980Glyfs*12) in the FLNC gene. It is expected to result in an absent or disrupted protein product. Loss-of-function variants in FLNC are known to be pathogenic (PMID: 27908349). This variant is not present in population databases (gnomAD no frequency). This variant has not been reported in the literature in individuals affected with FLNC-related conditions. Algorithms developed to predict the effect of sequence changes on RNA splicing suggest that this variant may create or strengthen a splice site. For these reasons, this variant has been classified as Pathogenic.

Literature cited by the submitters: PubMed 27908349.

NM_001458.5(FLNC):c.2931_2938dup (p.Val980fs)

Gene: FLNC (filamin C; plus strand). Cytogenetic location: 7q32.1.
Variant type: Duplication.
Coding change: c.2931_2938dup on transcript NM_001458.5 (MANE Select); coding-DNA positions 2931 to 2938, 8 bases duplicated (GGTGGCTG; older notation c.2931_2938dupGGTGGCTG).
Protein change: p.Val980fs; shifts the reading frame from valine 980.
Molecular consequence: frameshift variant.
Genome position (GRCh38, 1-based): chr7:128,844,005-128,844,012, GGTGGCTG duplicated. VCF-style (leftmost placement, unchanged base first): chr7-128844004-A-AGGTGGCTG. GRCh37 (hg19) VCF-style: chr7-128484058-A-AGGTGGCTG.
Other names: c.2931_2938dup, p.Val980fs (NM_001127487.2); short protein forms V980fs.
Identifiers: ClinVar variation 2952753 (VCV002952753.3), dbSNP rs2536635261, ClinGen allele CA2740097570.
Genomic context (GRCh38, chr7:128,844,004, plus strand): 5'-AGGGGTATTCGGGTAGGGTGGACCGGAGTCTCCTCATGGTGTCACTTGCCCTCCACGCAG[A>AGGTGGCTG]GGTGGCTGTGGGACAGGAACAAGCATTCTCTGTGAACACACGAGGGGCTGGCGGTCAGGG-3'